The following is an entry in ClinVar:

NM_004446.3(EPRS1):c.2293C>T (p.Arg765Cys)

Gene: EPRS1 (glutamyl-prolyl-tRNA synthetase 1; minus strand). Cytogenetic location: 1q41.
Variant type: single nucleotide variant.
Coding change: c.2293C>T on transcript NM_004446.3 (MANE Select); coding-DNA position 2293, C replaced by T.
Protein change: p.Arg765Cys; replaces arginine 765 with cysteine.
Molecular consequence: missense variant.
Genome position (GRCh38, 1-based): chr1:219,997,231, G>A on the plus strand (C>T on the coding strand, the complement: EPRS1 is on the minus strand). VCF-style: chr1-219997231-G-A. GRCh37 (hg19) VCF-style: chr1-220170573-G-A.
Other names: c.2293C>T (NM_004446.2); short protein forms R765C.
Identifiers: ClinVar variation 2421826 (VCV002421826.6), dbSNP rs200004369, ClinGen allele CA1400008.
Genomic context (GRCh38, chr1:219,997,231, plus strand): 5'-AAAGCTGTTTTACAGCTGCATCTACATCTTCCTTTGGTGCTTTCTTGGCTTTTAATTCAC[G>A]AACCACATCTCCTTGAACAGCCACTCTATTGTAAAGGACCAAGGAATCCTCAGATGTAGT-3'
Protein context (NP_004437.2, residues 755-775): NRVAVQGDVV[Arg765Cys]ELKAKKAPKE

ClinVar aggregate classification (germline): Uncertain significance. Review status: criteria provided, multiple submitters, no conflicts (2 of 4 stars). 2 submissions from 2 submitters: Uncertain significance (2). Last evaluated 2023-02-10.

Conditions:
Inborn genetic diseases. Identifiers: MedGen C0950123, MeSH D030342.

Allele frequency attached by ClinVar (database versions not stated): TOPMed below 0.00001; gnomAD 0.00001; 1000 Genomes Project 30x 0.00016; 1000 Genomes Project 0.00020.
gnomAD v4.1: 41 of 1,613,858 alleles (0.0025%); highest among the groups gnomAD compares: Non-Finnish European, 0.0033%; no homozygotes.

Submissions (2):

Ambry Genetics
Classification: Uncertain significance for Inborn genetic diseases. Last evaluated: 2023-02-10. Review status: criteria provided, single submitter. Criteria: Ambry Variant Classification Scheme 2023. Collection method: clinical testing. Allele origin: germline.

Labcorp Genetics (formerly Invitae), Labcorp
Classification: Uncertain significance. Last evaluated: 2022-07-30. Review status: criteria provided, single submitter. Criteria: Invitae Variant Classification Sherloc (09022015). Collection method: clinical testing. Allele origin: germline.
Comment: In summary, the available evidence is currently insufficient to determine the role of this variant in disease. Therefore, it has been classified as a Variant of Uncertain Significance. Algorithms developed to predict the effect of missense changes on protein structure and function are either unavailable or do not agree on the potential impact of this missense change (SIFT: "Deleterious"; PolyPhen-2: "Possibly Damaging"; Align-GVGD: "Class C0"). This variant has not been reported in the literature in individuals affected with EPRS-related conditions. This variant is present in population databases (rs200004369, gnomAD 0.005%). This sequence change replaces arginine, which is basic and polar, with cysteine, which is neutral and slightly polar, at codon 765 of the EPRS protein (p.Arg765Cys).